The following is an entry in ClinVar:

ClinVar aggregate classification (germline): Uncertain significance (1 of 4 stars; one submission).

gnomAD v4.1: 1 of 1,613,938 alleles (0.000062%); highest among the groups gnomAD compares: Non-Finnish European, 0.000085%; no homozygotes.

Submission:

Labcorp Genetics (formerly Invitae), Labcorp
Classification: Uncertain significance. Last evaluated: 2021-07-18. Review status: criteria provided, single submitter. Criteria: Invitae Variant Classification Sherloc (09022015). Collection method: clinical testing. Allele origin: germline.
Comment: In summary, the available evidence is currently insufficient to determine the role of this variant in disease. Therefore, it has been classified as a Variant of Uncertain Significance. Algorithms developed to predict the effect of missense changes on protein structure and function (SIFT, PolyPhen-2, Align-GVGD) all suggest that this variant is likely to be disruptive. This variant has not been reported in the literature in individuals affected with FAT4-related conditions. This variant is not present in population databases (ExAC no frequency). This sequence change replaces aspartic acid with glutamic acid at codon 2747 of the FAT4 protein (p.Asp2747Glu). The aspartic acid residue is highly conserved and there is a small physicochemical difference between aspartic acid and glutamic acid.

NM_001291303.3(FAT4):c.8247C>G (p.Asp2749Glu)

Gene: FAT4 (FAT atypical cadherin 4; plus strand). Cytogenetic location: 4q28.1.
Variant type: single nucleotide variant.
Coding change: c.8247C>G on transcript NM_001291303.3 (MANE Select); coding-DNA position 8247, C replaced by G.
Protein change: p.Asp2749Glu; replaces aspartic acid 2749 with glutamic acid.
Molecular consequence: missense variant.
Genome position (GRCh38, 1-based): chr4:125,449,257, C>G. VCF-style: chr4-125449257-C-G. GRCh37 (hg19) VCF-style: chr4-126370412-C-G.
Other names: c.8247C>G, p.Asp2749Glu (NM_001291285.3); c.8241C>G, p.Asp2747Glu (NM_024582.6); short protein forms D2749E, D2747E.
Identifiers: ClinVar variation 1383299 (VCV001383299.6), dbSNP rs1725949849, ClinGen allele CA358145628.